The following is an entry in ClinVar:

NM_006734.4(HIVEP2):c.1643C>T (p.Thr548Ile)

Gene: HIVEP2 (HIVEP zinc finger 2; minus strand). Cytogenetic location: 6q24.2.
Variant type: single nucleotide variant.
Coding change: c.1643C>T on transcript NM_006734.4 (MANE Select); coding-DNA position 1643, C replaced by T.
Protein change: p.Thr548Ile; replaces threonine 548 with isoleucine.
Molecular consequence: missense variant.
Genome position (GRCh38, 1-based): chr6:142,773,096, G>A on the plus strand (C>T on the coding strand, the complement: HIVEP2 is on the minus strand). VCF-style: chr6-142773096-G-A. GRCh37 (hg19) VCF-style: chr6-143094233-G-A.
Other names: short protein forms T548I.
Identifiers: ClinVar variation 1679799 (VCV001679799.6), dbSNP rs760177241, ClinGen allele CA4028562.
Genomic context (GRCh38, chr6:142,773,096, plus strand): 5'-TCATCAAATGAGTGACTTCCTCTCAAAGAAGGAGGAATAGTTAGATTAGTTGCTGAAGAA[G>A]TTGGCACTGAGTTGCTTCTAATAAGGGGTGAAGAGTCTACAGGAGCTTCTAAGAGAACCG-3'
Protein context (NP_006725.3, residues 538-558): SPLIRSNSVP[Thr548Ile]SSATNLTIPP

ClinVar aggregate classification (germline): Uncertain significance. Review status: criteria provided, multiple submitters, no conflicts (2 of 4 stars). 2 submissions from 2 submitters: Uncertain significance (2). Last evaluated 2022-07-18.

Conditions:
Intellectual developmental disorder, autosomal dominant 43. Also called: Intellectual disability, autosomal dominant 43. Identifiers: MedGen C4707429, MONDO:0014858, OMIM 616977.

Allele frequency attached by ClinVar (database versions not stated): TOPMed 0.00001; gnomAD exomes below 0.00001 and 0.00001; ExAC 0.00001.
gnomAD v4.1: 15 of 1,614,246 alleles (0.00093%); highest among the groups gnomAD compares: Middle Eastern, 0.016%; no homozygotes.

Submissions (2):

Labcorp Genetics (formerly Invitae), Labcorp
Classification: Uncertain significance. Last evaluated: 2022-07-18. Review status: criteria provided, single submitter. Criteria: Invitae Variant Classification Sherloc (09022015). Collection method: clinical testing. Allele origin: germline.
Comment: In summary, the available evidence is currently insufficient to determine the role of this variant in disease. Therefore, it has been classified as a Variant of Uncertain Significance. Algorithms developed to predict the effect of missense changes on protein structure and function are either unavailable or do not agree on the potential impact of this missense change (SIFT: "Deleterious"; PolyPhen-2: "Probably Damaging"; Align-GVGD: "Class C0"). ClinVar contains an entry for this variant (Variation ID: 1679799). This variant has not been reported in the literature in individuals affected with HIVEP2-related conditions. This variant is present in population databases (rs760177241, gnomAD 0.0009%). This sequence change replaces threonine, which is neutral and polar, with isoleucine, which is neutral and non-polar, at codon 548 of the HIVEP2 protein (p.Thr548Ile).

New York Genome Center
Classification: Uncertain significance for Intellectual developmental disorder, autosomal dominant 43. Last evaluated: 2021-06-04. Review status: criteria provided, single submitter. Criteria: NYGC Assertion Criteria 2020. Collection method: clinical testing. Allele origin: inherited. Observed: 1 heterozygote. Study: CSER-NYCKidSeq.
Comment: The inherited heterozygous c.1643C>T (p.Thr548Ile) missense variant identified in the HIVEP2 gene has not been reported in affected individuals in the literature. The variant is absent from gnomAD(v3) database suggesting it is not a common benign variant in the populations represented in thatdatabase. The variant affects an evolutionarily conserved residue and is predicted deleterious by multiple in silico prediction tools. Based on the available evidence, the inherited heterozygous c.1643C>T (p.Thr548Ile) missense variant identified in the HIVEP2 gene is reported as a variant of uncertain significance.